The following is an entry in ClinVar:

ClinVar aggregate classification (germline): Pathogenic (1 of 4 stars; one submission).

Conditions:
Polyglandular autoimmune syndrome, type 1 (APS1). Also called: Autoimmune polyendocrinopathy syndrome, type I; AUTOIMMUNE POLYENDOCRINE SYNDROME, TYPE I, WITH OR WITHOUT REVERSIBLE METAPHYSEAL DYSPLASIA; APS I; PGA I; Autoimmune polyendocrinopathy syndrome , type I, with or without reversible metaphyseal dysplasia; HYPOADRENOCORTICISM WITH HYPOPARATHYROIDISM AND SUPERFICIAL MONILIASIS. Identifiers: Orphanet 3453, MedGen C0085859, MONDO:0009411, OMIM 240300.

Submission:

Labcorp Genetics (formerly Invitae), Labcorp
Classification: Pathogenic for Polyglandular autoimmune syndrome, type 1. Last evaluated: 2022-08-04. Review status: criteria provided, single submitter. Criteria: Invitae Variant Classification Sherloc (09022015). Collection method: clinical testing. Allele origin: germline.
Comment: For these reasons, this variant has been classified as Pathogenic. This variant has not been reported in the literature in individuals affected with AIRE-related conditions. This variant is not present in population databases (gnomAD no frequency). This sequence change creates a premature translational stop signal (p.Thr183Argfs*196) in the AIRE gene. It is expected to result in an absent or disrupted protein product. Loss-of-function variants in AIRE are known to be pathogenic (PMID: 11524731, 26141571).

Literature cited by the submitters: PubMed 11524731; PubMed 26141571.

NM_000383.4(AIRE):c.546_547dup (p.Thr183fs)

Gene: AIRE (autoimmune regulator; plus strand). Cytogenetic location: 21q22.3.
Variant type: Duplication.
Coding change: c.546_547dup on transcript NM_000383.4 (MANE Select); coding-DNA positions 546 to 547, 2 bases duplicated (GA; older notation c.546_547dupGA).
Protein change: p.Thr183fs; shifts the reading frame from threonine 183.
Molecular consequence: frameshift variant.
Genome position (GRCh38, 1-based): chr21:44,288,352-44,288,353, GA duplicated; duplicating any 2 consecutive bases within chr21:44,288,351-44,288,353 gives the same sequence; the c. name uses the placement nearest the transcript's 3' end. VCF-style (leftmost placement, unchanged base first): chr21-44288350-C-CAG. GRCh37 (hg19) VCF-style: chr21-45708233-C-CAG.
Other names: short protein forms T183fs.
Identifiers: ClinVar variation 1948746 (VCV001948746.5), dbSNP rs1985597191, ClinGen allele CA1022714221.
Genomic context (GRCh38, chr21:44,288,350, plus strand): 5'-GTGCTTGGGAACAGTCTTCCCCACGGGTGACCCCAATGGGTGTTCCCTTTCCCAGGGATT[C>CAG]AGACCATGTCAGCTTCAGTCCAGAGAGCTGTGGCCATGTCCTCCGGGGACGTCCCGGGAG-3'